The following is an entry in ClinVar:

ClinVar aggregate classification (germline): Conflicting classifications of pathogenicity. Review status: criteria provided, conflicting classifications (1 of 4 stars). 7 submissions from 7 submitters: Uncertain significance (6); Likely benign (1). Last evaluated 2026-06-11.

Conditions:
TTN-related disorder. Also called: TTN-related disorders; TTN-related condition; TTN-related disease.
Autosomal recessive limb-girdle muscular dystrophy type 2J (LGMDR10). Also called: Limb-girdle muscular dystrophy, type 2J; MUSCULAR DYSTROPHY, LIMB-GIRDLE, AUTOSOMAL RECESSIVE 10. Identifiers: Orphanet 140922, MedGen C1837342, MONDO:0012127, OMIM 608807.
Dilated cardiomyopathy 1G (CMD1G). Identifiers: Orphanet 154, MedGen C1858763, MONDO:0011400, OMIM 604145.

Allele frequency attached by ClinVar (database versions not stated): gnomAD exomes 0.00003; ExAC 0.00004; ESP Exome Variant Server 0.00008; gnomAD 0.00009; TOPMed 0.00010.
gnomAD v4.1: 55 of 1,612,026 alleles (0.0034%); highest among the groups gnomAD compares: African/African-American, 0.024%; no homozygotes.

Submissions (7):

PreventionGenetics, part of Exact Sciences
Classification: Uncertain significance for TTN-related condition. Last evaluated: 2026-06-11. Review status: criteria provided, single submitter. Criteria: ACMG Guidelines, 2015. Collection method: clinical testing. Allele origin: germline.
Comment: The TTN c.21475G>A variant is predicted to result in the amino acid substitution p.Val7159Ile. To our knowledge, this variant has not been reported in the literature. This variant is reported in 0.017% of alleles in individuals of African descent in gnomAD. At this time, the clinical significance of this variant is uncertain due to the absence of conclusive functional and genetic evidence.

CeGaT Center for Human Genetics Tuebingen
Classification: Uncertain significance. Last evaluated: 2026-04-01. Review status: criteria provided, single submitter. Criteria: CeGaT Center For Human Genetics Tuebingen Variant Classification Criteria Version 2. Collection method: clinical testing. Allele origin: germline. Affected: yes. Observed: 1 variant allele.
Comment: TTN: PM2

Women's Health and Genetics/Laboratory Corporation of America, LabCorp
Classification: Uncertain significance. Last evaluated: 2024-12-20. Review status: criteria provided, single submitter. Criteria: LabCorp Variant Classification Summary - May 2015. Collection method: clinical testing. Allele origin: germline.

Revvity Omics, Revvity
Classification: Uncertain significance. Last evaluated: 2023-02-05. Review status: criteria provided, single submitter. Criteria: ACMG Guidelines, 2015. Collection method: clinical testing. Allele origin: germline.

GeneDx
Classification: Likely benign. Last evaluated: 2018-11-01. Review status: criteria provided, single submitter. Criteria: GeneDx Variant Classification Process June 2021. Collection method: clinical testing. Allele origin: germline. Affected: yes.

Labcorp Genetics (formerly Invitae), Labcorp
Classification: Uncertain significance for Dilated cardiomyopathy 1G; Autosomal recessive limb-girdle muscular dystrophy type 2J. Last evaluated: 2017-12-12. Review status: criteria provided, single submitter. Criteria: Invitae Variant Classification Sherloc (09022015). Collection method: clinical testing. Allele origin: germline.

Eurofins Ntd Llc (ga)
Classification: Uncertain significance. Last evaluated: 2015-09-22. Review status: criteria provided, single submitter. Criteria: EGL Classification Definitions 2015. Collection method: clinical testing. Allele origin: germline. Observed: 1 variant allele, 1 heterozygote.

NM_001267550.2(TTN):c.21475G>A (p.Val7159Ile)

Gene: TTN (titin; minus strand). Cytogenetic location: 2q31.2.
Variant type: single nucleotide variant.
Coding change: c.21475G>A on transcript NM_001267550.2 (MANE Select); coding-DNA position 21475, G replaced by A.
Protein change: p.Val7159Ile; replaces valine 7159 with isoleucine.
Molecular consequence: missense variant. On other transcripts: intron variant (3).
Genome position (GRCh38, 1-based): chr2:178,723,625, C>T on the plus strand (G>A on the coding strand, the complement: TTN is on the minus strand). VCF-style: chr2-178723625-C-T. GRCh37 (hg19) VCF-style: chr2-179588352-C-T.
Other names: c.20524G>A, p.Val6842Ile (NM_001256850.1); c.17743G>A, p.Val5915Ile (NM_133378.4); c.13282+14457G>A (NM_003319.4); c.13858+14457G>A (NM_133437.4); c.13657+14457G>A (NM_133432.3); short protein forms V7159I, V6842I, V5915I.
Identifiers: ClinVar variation 283436 (VCV000283436.16), dbSNP rs371267140, ClinGen allele CA2001018.
Genomic context (GRCh38, chr2:178,723,625, plus strand): 5'-TCACTAGTTCTCTGGCACCTCTGAACCAGTTGACTTTGAATGGAGGGGTTCCTCTAATAA[C>T]GCTTGTGAAGGTTACATTTTTGCCTGGTAGTACTTCCAAAGGTTCAGGTTCTTTCACAAA-3'
Protein context (NP_001254479.2, residues 7149-7169): LPGKNVTFTS[Val7159Ile]IRGTPPFKVN